The following is an entry in ClinVar:

NM_001009944.3(PKD1):c.9428_9430dup (p.Tyr3143_Gly3144insAsp)

Gene: PKD1 (polycystin 1, transient receptor potential channel interacting; minus strand). Cytogenetic location: 16p13.3.
Variant type: Duplication.
Coding change: c.9428_9430dup on transcript NM_001009944.3 (MANE Select); coding-DNA positions 9428 to 9430, 3 bases duplicated (ATG; older notation c.9428_9430dupATG).
Protein change: p.Tyr3143_Gly3144insAsp.
Molecular consequence: inframe insertion.
Genome position (GRCh38, 1-based): chr16:2,100,534-2,100,536, CAT duplicated on the plus strand (ATG on the coding strand, the reverse complement: PKD1 is on the minus strand). VCF-style (leftmost placement, unchanged base first): chr16-2100533-C-CCAT. GRCh37 (hg19) VCF-style: chr16-2150534-C-CCAT.
Other names: c.9428_9430dup, p.Tyr3143_Gly3144insAsp (NM_000296.4).
Identifiers: ClinVar variation 1210262 (VCV001210262.3), dbSNP rs2151742372, ClinGen allele CA2499223373.

ClinVar aggregate classification (germline): Uncertain significance (1 of 4 stars; one submission).

Conditions:
Polycystic kidney disease, adult type (PKD1). Also called: POLYCYSTIC KIDNEY DISEASE 1 WITH OR WITHOUT POLYCYSTIC LIVER DISEASE; Polycystic Kidney Disease 1, Autosomal Dominant; Polycystic kidney disease 1; Polycystic kidney disease 1, severe; Polycystic Kidney, Autosomal Dominant; POLYCYSTIC KIDNEY DISEASE, ADULT, TYPE I. Identifiers: MedGen C3149841, MONDO:0008263, OMIM 173900.

Submission:

Center for Human Genetics and Genomic Medicine, Uniklinik Rwth Aachen
Classification: Uncertain significance for Polycystic kidney disease, adult type. Last evaluated: 2021-08-26. Review status: criteria provided, single submitter. Criteria: ACMG Guidelines, 2015. Collection method: clinical testing. Allele origin: unknown. Inheritance: Autosomal dominant inheritance. Affected: yes. Observed: 1 variant allele, 1 heterozygote.
Comment: To our knowledge, the variant has not yet been reported in the literature or in the renowned PKD mutation database, in ClinVar, the dbSNP database or GnomAD (as of July 26, 2021) . The 3 base pair duplication detected here does not lead to a change in the reading frame (inframe duplication), so that a possible effect of the change on protein function cannot be predicted with certainty. Based on the current state of knowledge, the variant is therefore to be classified as a "variant of uncertain clinical significance" (ACMG criteria).